The following is an entry in ClinVar:

NM_001267550.2(TTN):c.43563_43575del (p.His14522fs)

Gene: TTN (titin; minus strand). Cytogenetic location: 2q31.2.
Variant type: Deletion.
Coding change: c.43563_43575del on transcript NM_001267550.2 (MANE Select); coding-DNA positions 43563 to 43575, 13 bases deleted (TCATGATAACATC).
Protein change: p.His14522fs; shifts the reading frame from histidine 14522.
Molecular consequence: frameshift variant.
Genome position (GRCh38, 1-based): chr2:178,632,319-178,632,331, GATGTTATCATGA deleted on the plus strand (TCATGATAACATC on the coding strand, the reverse complement: TTN is on the minus strand); deleting any 13 consecutive bases within chr2:178,632,319-178,632,334 gives the same sequence; the c. name uses the placement nearest the transcript's 3' end. VCF-style (leftmost placement, unchanged base first): chr2-178632318-GGATGTTATCATGA-G. GRCh37 (hg19) VCF-style: chr2-179497045-GGATGTTATCATGA-G.
Other names: c.38640_38652del, p.His12881fs (NM_001256850.1); c.16368_16380del, p.His5457fs (NM_003319.4); c.35859_35871del, p.His11954fs (NM_133378.4); c.16743_16755del, p.His5582fs (NM_133432.3); c.16944_16956del, p.His5649fs (NM_133437.4); short protein forms H5582fs, H14522fs, H11954fs, H12881fs, H5457fs, H5649fs.
Identifiers: ClinVar variation 2055082 (VCV002055082.4), dbSNP rs2471458042, ClinGen allele CA2580065117.

ClinVar aggregate classification (germline): Likely pathogenic (1 of 4 stars; one submission).

Conditions:
Dilated cardiomyopathy 1G (CMD1G). Identifiers: Orphanet 154, MedGen C1858763, MONDO:0011400, OMIM 604145.
Autosomal recessive limb-girdle muscular dystrophy type 2J (LGMDR10). Also called: Limb-girdle muscular dystrophy, type 2J; MUSCULAR DYSTROPHY, LIMB-GIRDLE, AUTOSOMAL RECESSIVE 10. Identifiers: Orphanet 140922, MedGen C1837342, MONDO:0012127, OMIM 608807.

Submission:

Labcorp Genetics (formerly Invitae), Labcorp
Classification: Likely pathogenic for Dilated cardiomyopathy 1G; Autosomal recessive limb-girdle muscular dystrophy type 2J. Last evaluated: 2024-10-18. Review status: criteria provided, single submitter. Criteria: Invitae Variant Classification Sherloc (09022015). Collection method: clinical testing. Allele origin: germline.
Comment: This sequence change creates a premature translational stop signal (p.His14522Glufs*43) in the TTN gene. While this is not anticipated to result in nonsense mediated decay, it is expected to create a truncated TTN protein. This variant is not present in population databases (gnomAD no frequency). This variant has not been observed in the literature in individuals with autosomal recessive TTN-related conditions. This variant has been reported in individual(s) with autosomal dominant dilated cardiomyopathy (internal data); however, the role of the variant in this condition is currently unclear. ClinVar contains an entry for this variant (Variation ID: 2055082). This variant is located in the I band of TTN (PMID: 25589632). Truncating variants in this region have been reported in individuals affected with autosomal recessive centronuclear myopathy (PMID: 23975875, internal data). Truncating variants in this region have also been identified in individuals affected with autosomal dominant dilated cardiomyopathy and/or cardio-related conditions (PMID: 27869827, 32964742, internal data). In summary, the currently available evidence indicates that the variant is pathogenic, but additional data are needed to prove that conclusively. Therefore, this variant has been classified as Likely Pathogenic.

Literature cited by the submitters: PubMed 25589632; PubMed 23975875; PubMed 27869827; PubMed 32964742.